The following is an entry in ClinVar:

NM_000719.7(CACNA1C):c.1158dup (p.Thr387fs)

Gene: CACNA1C (calcium voltage-gated channel subunit alpha1 C; plus strand). Cytogenetic location: 12p13.33.
Variant type: Duplication.
Coding change: c.1158dup on transcript NM_000719.7 (MANE Select); coding-DNA position 1158, one base duplicated (T; older notation c.1158dupT).
Protein change: p.Thr387fs; shifts the reading frame from threonine 387.
Molecular consequence: frameshift variant. On other transcripts: intron variant (4).
Genome position (GRCh38, 1-based): chr12:2,504,886, T duplicated; the last of 2 consecutive T bases (chr12:2,504,885-2,504,886); duplicating either gives the same sequence. VCF-style (leftmost placement, unchanged base first): chr12-2504884-G-GT. GRCh37 (hg19) VCF-style: chr12-2614050-G-GT.
Other names: c.1217+347dup (NM_001167625.2, NM_001129840.2, NM_001167624.3 and 1 more transcripts); c.1158dup, p.Thr387fs (NM_001129830.3, NM_001129831.2, NM_001129832.2 and 14 more transcripts); c.1149dup, p.Thr384fs (NM_001129844.2); short protein forms T384fs, T387fs.
Identifiers: ClinVar variation 2584438 (VCV002584438.1), dbSNP rs2505887113, ClinGen allele CA477901486.

ClinVar aggregate classification (germline): Likely pathogenic (1 of 4 stars; one submission).

Conditions:
CACNA1C-related disorder. Also called: CACNA1C-related condition; CACNA1C-related disorders. Identifiers: MedGen CN381092, MONDO:0700321.

Submission:

Rady Children's Institute for Genomic Medicine, Rady Children's Hospital San Diego
Classification: Likely pathogenic for CACNA1C-Related Disorders. Review status: criteria provided, single submitter. Criteria: ACMG Guidelines, 2015. Collection method: clinical testing. Allele origin: germline. Affected: yes.
Comment: This frameshifting variant in exon 8 of 49 is predicted to result in loss of protein function through either protein truncation or nonsense-mediated mRNA decay. This variant has not been previously reported or functionally characterized in the literature to our knowledge. The c.1158dup (p.Thr387TyrfsTer12) variant is absent from the gnomAD population database and thus presumed to be rare. Based on the available evidence, the c.1158dup (p.Thr387TyrfsTer12) variant is classified as Likely Pathogenic.